The following is an entry in ClinVar:

ClinVar aggregate classification (germline): Uncertain significance (1 of 4 stars; one submission).

Conditions:
Early-infantile DEE. Also called: Early infantile epileptic encephalopathy with suppression bursts; Early infantile epileptic encephalopathy; Ohtahara syndrome. Identifiers: Orphanet 1934, MedGen C0393706, MONDO:0800491.

Submission:

Labcorp Genetics (formerly Invitae), Labcorp
Classification: Uncertain significance for Early-infantile DEE. Last evaluated: 2022-07-18. Review status: criteria provided, single submitter. Criteria: Invitae Variant Classification Sherloc (09022015). Collection method: clinical testing. Allele origin: germline.
Comment: In summary, the available evidence is currently insufficient to determine the role of this variant in disease. Therefore, it has been classified as a Variant of Uncertain Significance. Advanced modeling of protein sequence and biophysical properties (such as structural, functional, and spatial information, amino acid conservation, physicochemical variation, residue mobility, and thermodynamic stability) performed at Invitae indicates that this missense variant is not expected to disrupt SCN1A protein function. ClinVar contains an entry for this variant (Variation ID: 1370032). This variant has not been reported in the literature in individuals affected with SCN1A-related conditions. This variant is not present in population databases (gnomAD no frequency). This sequence change replaces glutamine, which is neutral and polar, with arginine, which is basic and polar, at codon 319 of the SCN1A protein (p.Gln319Arg).

NM_001165963.4(SCN1A):c.956A>G (p.Gln319Arg)

Gene: SCN1A (sodium voltage-gated channel alpha subunit 1; minus strand). Cytogenetic location: 2q24.3.
Variant type: single nucleotide variant.
Coding change: c.956A>G on transcript NM_001165963.4 (MANE Select); coding-DNA position 956, A replaced by G.
Protein change: p.Gln319Arg; replaces glutamine 319 with arginine.
Molecular consequence: missense variant. On other transcripts: 5 prime UTR variant (1), non-coding transcript variant (1).
Genome position (GRCh38, 1-based): chr2:166,051,727, T>C on the plus strand (A>G on the coding strand, the complement: SCN1A is on the minus strand). VCF-style: chr2-166051727-T-C. GRCh37 (hg19) VCF-style: chr2-166908237-T-C.
Other names: c.956A>G, p.Gln319Arg (NM_001165964.3, NM_001202435.3, NM_001353948.2 and 10 more transcripts); c.-1470A>G (NM_001353961.2); short protein forms Q319R.
Identifiers: ClinVar variation 1370032 (VCV001370032.7), dbSNP rs2105888544, ClinGen allele CA349072445.
Genomic context (GRCh38, chr2:166,051,727, plus strand): 5'-CAAACAATCCAATTCTACTTTTTAAGGAAATGTACATAACAATAATTCTTACTTGAATCT[T>C]GAATATATGACTTCCAGTCAAACTCAAAGACAGTTTCATTTATAAGTGTACCATTATAAT-3'
Protein context (NP_001159435.1, residues 309-329): VFEFDWKSYI[Gln319Arg]DSRYHYFLEG